The following is an entry in ClinVar:

ClinVar aggregate classification (germline): Uncertain significance (1 of 4 stars; one submission).

Submission:

GeneDx
Classification: Uncertain significance. Last evaluated: 2019-07-25. Review status: criteria provided, single submitter. Criteria: GeneDx Variant Classification Process June 2021. Collection method: clinical testing. Allele origin: germline. Affected: yes.
Comment: Not observed in large population cohorts (Lek et al., 2016); In silico analysis, which includes protein predictors and evolutionary conservation, supports a deleterious effect; Has not been previously published as pathogenic or benign to our knowledge

NM_015338.6(ASXL1):c.1412C>G (p.Ser471Cys)

Gene: ASXL1 (ASXL transcriptional regulator 1; plus strand). Cytogenetic location: 20q11.21.
Variant type: single nucleotide variant.
Coding change: c.1412C>G on transcript NM_015338.6 (MANE Select); coding-DNA position 1412, C replaced by G.
Protein change: p.Ser471Cys; replaces serine 471 with cysteine.
Molecular consequence: missense variant.
Genome position (GRCh38, 1-based): chr20:32,433,610, C>G. VCF-style: chr20-32433610-C-G. GRCh37 (hg19) VCF-style: chr20-31021413-C-G.
Other names: c.1229C>G, p.Ser410Cys (NM_001363734.1); short protein forms S410C, S471C.
Identifiers: ClinVar variation 1316168 (VCV001316168.2), dbSNP rs2123262118, ClinGen allele CA408556518.